The following is an entry in ClinVar:

ClinVar aggregate classification (germline): Uncertain significance (1 of 4 stars; one submission).

Conditions:
Hereditary cancer-predisposing syndrome. Also called: Neoplastic Syndromes, Hereditary; Tumor predisposition; Hereditary Cancer Syndrome; Hereditary neoplastic syndrome. Identifiers: Orphanet 140162, MedGen C0027672, MeSH D009386, MONDO:0015356.

Submission:

Ambry Genetics
Classification: Uncertain significance for Hereditary cancer-predisposing syndrome. Last evaluated: 2020-06-18. Review status: criteria provided, single submitter. Criteria: Ambry Variant Classification Scheme 2023. Collection method: clinical testing. Allele origin: germline.
Comment: The p.F297S variant (also known as c.890T>C), located in coding exon 7 of the RAD50 gene, results from a T to C substitution at nucleotide position 890. The phenylalanine at codon 297 is replaced by serine, an amino acid with highly dissimilar properties. This amino acid position is highly conserved in available vertebrate species. In addition, the in silico prediction for this alteration is inconclusive. Since supporting evidence is limited at this time, the clinical significance of this alteration remains unclear.

NM_005732.4(RAD50):c.890T>C (p.Phe297Ser)

Gene: RAD50 (RAD50 double strand break repair protein; plus strand). Cytogenetic location: 5q31.1.
Variant type: single nucleotide variant.
Coding change: c.890T>C on transcript NM_005732.4 (MANE Select); coding-DNA position 890, T replaced by C.
Protein change: p.Phe297Ser; replaces phenylalanine 297 with serine.
Molecular consequence: missense variant.
Genome position (GRCh38, 1-based): chr5:132,587,928, T>C. VCF-style: chr5-132587928-T-C. GRCh37 (hg19) VCF-style: chr5-131923620-T-C.
Other names: short protein forms F297S.
Identifiers: ClinVar variation 1765081 (VCV001765081.2), dbSNP rs2479632378, ClinGen allele CA360940738.